The following is an entry in ClinVar:

ClinVar aggregate classification (germline): Uncertain significance (1 of 4 stars; one submission).

Allele frequency attached by ClinVar (database versions not stated): gnomAD 0.00003 and 0.00004; TOPMed 0.00003.

Submission:

GeneDx
Classification: Uncertain significance. Last evaluated: 2020-01-29. Review status: criteria provided, single submitter. Criteria: GeneDx Variant Classification Process June 2021. Collection method: clinical testing. Allele origin: germline. Affected: yes.
Comment: Not observed at a significant frequency in large population cohorts (Lek et al., 2016); In silico analysis, which includes protein predictors and evolutionary conservation, supports a deleterious effect; Has not been previously published as pathogenic or benign to our knowledge

NM_001329943.3(KIAA0586):c.1142T>A (p.Leu381Gln)

Gene: KIAA0586 (KIAA0586; plus strand). Cytogenetic location: 14q23.1.
Variant type: single nucleotide variant.
Coding change: c.1142T>A on transcript NM_001329943.3 (MANE Select); coding-DNA position 1142, T replaced by A.
Protein change: p.Leu381Gln; replaces leucine 381 with glutamine.
Molecular consequence: missense variant.
Genome position (GRCh38, 1-based): chr14:58,453,362, T>A. VCF-style: chr14-58453362-T-A. GRCh37 (hg19) VCF-style: chr14-58920080-T-A.
Other names: c.1301T>A, p.Leu434Gln (NM_001244189.2); c.1097T>A, p.Leu366Gln (NM_001244190.2); c.887T>A, p.Leu296Gln (NM_001244191.2, NM_001329945.2, NM_001364700.1 and 1 more transcripts); c.1010T>A, p.Leu337Gln (NM_001244192.2); c.722T>A, p.Leu241Gln (NM_001244193.2); c.1142T>A, p.Leu381Gln (NM_001329944.2, NM_001329946.2, NM_001329947.2 and 1 more transcripts); short protein forms L241Q, L296Q, L337Q, L366Q, L381Q, L434Q.
Identifiers: ClinVar variation 1314362 (VCV001314362.2), dbSNP rs753054894, ClinGen allele CA7205574.